The following is an entry in ClinVar:

NM_015065.3(EXPH5):c.3423del (p.Lys1141fs)

Gene: EXPH5 (exophilin 5; minus strand). Cytogenetic location: 11q22.3.
Variant type: Deletion.
Coding change: c.3423del on transcript NM_015065.3 (MANE Select); coding-DNA position 3423, one base deleted (G; older notation c.3423delG).
Protein change: p.Lys1141fs; shifts the reading frame from lysine 1141.
Molecular consequence: frameshift variant.
Genome position (GRCh38, 1-based): chr11:108,512,084, C deleted on the plus strand (G on the coding strand, the reverse complement: EXPH5 is on the minus strand). VCF-style (leftmost placement, unchanged base first): chr11-108512083-GC-G. GRCh37 (hg19) VCF-style: chr11-108382810-GC-G.
Other names: c.3399del, p.Lys1133fs (NM_001441060.1); c.3195del, p.Lys1065fs (NM_001441061.1, NM_001441067.1, NM_001441068.1 and 5 more transcripts); c.3192del, p.Lys1064fs (NM_001441073.1, NM_001441074.1, NM_001441075.1); c.2952del, p.Lys984fs (NM_001441076.1); c.2955del, p.Lys985fs (NM_001144764.2); c.2859del, p.Lys953fs (NM_001144765.2); c.3402del, p.Lys1134fs (NM_001308019.2); c.3420del, p.Lys1140fs (NM_001441059.1); and 1 more; short protein forms K1064fs, K1065fs, K1133fs, K1134fs, K1140fs, K1141fs, K953fs, K984fs.
Identifiers: ClinVar variation 4850664 (VCV004850664.1).

ClinVar aggregate classification (germline): Likely pathogenic (1 of 4 stars; one submission).

Conditions:
Epidermolysis bullosa simplex 4, localized or generalized intermediate, autosomal recessive. Also called: Epidermolysis bullosa, nonspecific, autosomal recessive. Identifiers: Orphanet 412189, MedGen C3554367, MONDO:0014014, OMIM 615028.

Submission:

First Genomix Gene Laboratory, Genetic Diagnostics Department
Classification: Likely pathogenic for Epidermolysis bullosa simplex 4, localized or generalized intermediate, autosomal recessive. Last evaluated: 2025-07-31. Review status: criteria provided, single submitter. Criteria: ACMG Guidelines, 2015. Collection method: clinical testing. Allele origin: germline. Inheritance: Autosomal recessive inheritance. Affected: no. Observed: 1 variant allele.